The following is an entry in ClinVar:

Conditions:
Breast-ovarian cancer, familial, susceptibility to, 1 (BROVCA1). Also called: BRCA1 Hereditary Breast and Ovarian Cancer; OVARIAN CANCER, SUSCEPTIBILITY TO. Identifiers: Orphanet 145, MedGen C2676676, MONDO:0011450, OMIM 604370. Disease mechanism: loss of function.

Submission:

Brotman Baty Institute, University of Washington
No classification provided (evidence only). Condition: Breast-ovarian cancer, familial 1. Review status: no classification provided. Collection method: in vitro. Allele origin: not applicable. Functional consequence: functionally_normal.
ClinVar note: "not provided" was previously submitted as the classification for the variant. However, the classification appeared to be based only on an observation of functional data so it was converted to no classification on 2025-07-30.

NM_007294.4(BRCA1):c.4959G>C (p.Val1653=)

Gene: BRCA1 (BRCA1 DNA repair associated; minus strand). Cytogenetic location: 17q21.31.
Variant type: single nucleotide variant.
Coding change: c.4959G>C on transcript NM_007294.4 (MANE Select); coding-DNA position 4959, G replaced by C.
Protein change: p.Val1653=; no amino-acid change (valine 1653 retained).
Molecular consequence: synonymous variant. On other transcripts: intron variant (1).
Genome position (GRCh38, 1-based): chr17:43,070,955, C>G on the plus strand (G>C on the coding strand, the complement: BRCA1 is on the minus strand). VCF-style: chr17-43070955-C-G. GRCh37 (hg19) VCF-style: chr17-41222972-C-G.
Other names: c.4746G>C, p.Val1582= (NM_001407571.1, NM_001407894.1, NM_001407895.1 and 12 more transcripts); c.5025G>C, p.Val1675= (NM_001407581.1, NM_001407582.1); c.5022G>C, p.Val1674= (NM_001407583.1, NM_001407585.1, NM_001407587.1 and 1 more transcripts); c.5019G>C, p.Val1673= (NM_001407590.1, NM_001407591.1); c.4959G>C, p.Val1653= (NM_001407593.1, NM_001407594.1, NM_001407596.1 and 8 more transcripts); c.4956G>C, p.Val1652= (NM_001407610.1, NM_001407611.1, NM_001407612.1 and 17 more transcripts); c.4953G>C, p.Val1651= (NM_001407627.1, NM_001407628.1, NM_001407629.1 and 14 more transcripts); c.4950G>C, p.Val1650= (NM_001407644.1, NM_001407645.1); and 71 more.
Identifiers: ClinVar variation 865460 (VCV000865460.3), dbSNP rs878854955, ClinGen allele CA500231571.